The following is an entry in ClinVar:

NM_017662.5(TRPM6):c.3722G>T (p.Arg1241Ile)

Gene: TRPM6 (transient receptor potential cation channel subfamily M member 6; minus strand). Cytogenetic location: 9q21.13.
Variant type: single nucleotide variant.
Coding change: c.3722G>T on transcript NM_017662.5 (MANE Select); coding-DNA position 3722, G replaced by T.
Protein change: p.Arg1241Ile; replaces arginine 1241 with isoleucine.
Molecular consequence: missense variant.
Genome position (GRCh38, 1-based): chr9:74,762,949, C>A on the plus strand (G>T on the coding strand, the complement: TRPM6 is on the minus strand). VCF-style: chr9-74762949-C-A. GRCh37 (hg19) VCF-style: chr9-77377865-C-A.
Other names: c.3707G>T, p.Arg1236Ile (NM_001177310.2, NM_001177311.2); short protein forms R1236I, R1241I.
Identifiers: ClinVar variation 1463411 (VCV001463411.8), dbSNP rs1826704176, ClinGen allele CA373687673.

ClinVar aggregate classification (germline): Uncertain significance (1 of 4 stars; one submission).

gnomAD v4.1: 2 of 1,607,572 alleles (0.00012%); highest among the groups gnomAD compares: East Asian, 0.0045%; no homozygotes.

Submission:

Labcorp Genetics (formerly Invitae), Labcorp
Classification: Uncertain significance. Last evaluated: 2023-07-17. Review status: criteria provided, single submitter. Criteria: Invitae Variant Classification Sherloc (09022015). Collection method: clinical testing. Allele origin: germline.
Comment: In summary, the available evidence is currently insufficient to determine the role of this variant in disease. Therefore, it has been classified as a Variant of Uncertain Significance. Advanced modeling of protein sequence and biophysical properties (such as structural, functional, and spatial information, amino acid conservation, physicochemical variation, residue mobility, and thermodynamic stability) performed at Invitae indicates that this missense variant is not expected to disrupt TRPM6 protein function. ClinVar contains an entry for this variant (Variation ID: 1463411). This variant has not been reported in the literature in individuals affected with TRPM6-related conditions. This variant is not present in population databases (gnomAD no frequency). This sequence change replaces arginine, which is basic and polar, with isoleucine, which is neutral and non-polar, at codon 1241 of the TRPM6 protein (p.Arg1241Ile).